The following is an entry in ClinVar:

NM_015214.3(DDHD2):c.2047T>A (p.Cys683Ser)

Gene: DDHD2 (DDHD domain containing 2; plus strand). Cytogenetic location: 8p11.23.
Variant type: single nucleotide variant.
Coding change: c.2047T>A on transcript NM_015214.3 (MANE Select); coding-DNA position 2047, T replaced by A.
Protein change: p.Cys683Ser; replaces cysteine 683 with serine.
Molecular consequence: missense variant. On other transcripts: non-coding transcript variant (2).
Genome position (GRCh38, 1-based): chr8:38,253,711, T>A. VCF-style: chr8-38253711-T-A. GRCh37 (hg19) VCF-style: chr8-38111229-T-A.
Other names: p.Cys683Ser; c.2047T>A, p.Cys683Ser (NM_001164232.2, NM_001362911.2, NM_001362912.2 and 1 more transcripts); c.1957T>A, p.Cys653Ser (NM_001362913.2); short protein forms C683S, C653S.
Identifiers: ClinVar variation 473072 (VCV000473072.46), dbSNP rs148536791, ClinGen allele CA4716416.

ClinVar aggregate classification (germline): Benign/Likely benign. Review status: criteria provided, multiple submitters, no conflicts (2 of 4 stars). 7 submissions from 7 submitters: Benign (4); Likely benign (3). Last evaluated 2026-01-27.

Conditions:
Hereditary spastic paraplegia 54. Also called: Spastic paraplegia 54, autosomal recessive. Identifiers: Orphanet 320380, MedGen C3539495, MONDO:0014018, OMIM 615033.
Hereditary spastic paraplegia. Also called: Familial spastic paraparesis. Identifiers: Orphanet 685, MedGen C0037773, MONDO:0019064. Disease mechanism: loss of function.

Allele frequency attached by ClinVar (database versions not stated): 1000 Genomes Project 30x 0.00078; 1000 Genomes Project 0.00100; ExAC 0.00297; gnomAD 0.00254 and 0.00246; gnomAD exomes 0.00261 and 0.00273; TOPMed 0.00143; ESP Exome Variant Server 0.00177.
gnomAD v4.1: 4,323 of 1,613,460 alleles (0.27%); highest among the groups gnomAD compares: Non-Finnish European, 0.28%; 9 homozygotes.

Submissions (7):

Labcorp Genetics (formerly Invitae), Labcorp
Classification: Benign for Hereditary spastic paraplegia 54. Last evaluated: 2026-01-27. Review status: criteria provided, single submitter. Criteria: Invitae Variant Classification Sherloc (09022015). Collection method: clinical testing. Allele origin: germline.

Blueprint Genetics
Classification: Likely benign. Last evaluated: 2024-11-20. Review status: criteria provided, single submitter. Criteria: ACMG Guidelines, 2015. Collection method: clinical testing. Allele origin: germline.

CeGaT Center for Human Genetics Tuebingen
Classification: Benign. Last evaluated: 2023-02-01. Review status: criteria provided, single submitter. Criteria: CeGaT Center For Human Genetics Tuebingen Variant Classification Criteria Version 2. Collection method: clinical testing. Allele origin: germline. Affected: yes. Observed: 2 variant alleles.
Comment: DDHD2: BS1, BS2

Mayo Clinic Laboratories, Mayo Clinic
Classification: Benign. Last evaluated: 2021-06-02. Review status: criteria provided, single submitter. Criteria: ACMG Guidelines, 2015. Collection method: clinical testing. Allele origin: germline. Observed: 4 variant alleles.

Genome Diagnostics Laboratory, The Hospital for Sick Children
Classification: Likely benign for Hereditary spastic paraplegia. Last evaluated: 2018-05-01. Review status: criteria provided, single submitter. Criteria: ACMG Guidelines, 2015. Collection method: clinical testing. Allele origin: germline. Affected: yes.

GeneDx
Classification: Benign. Last evaluated: 2017-11-21. Review status: criteria provided, single submitter. Criteria: GeneDx Variant Classification (06012015). Collection method: clinical testing. Allele origin: germline. Affected: yes.
Comment: This variant is considered likely benign or benign based on one or more of the following criteria: it is a conservative change, it occurs at a poorly conserved position in the protein, it is predicted to be benign by multiple in silico algorithms, and/or has population frequency not consistent with disease.

Breakthrough Genomics
Classification: Likely benign. Review status: criteria provided, single submitter. Criteria: ACMG Guidelines, 2015. Collection method: not provided. Allele origin: germline. Inheritance: Autosomal recessive inheritance. Affected: yes.